The following is an entry in ClinVar:

ClinVar aggregate classification (germline): Uncertain significance (1 of 4 stars; one submission).

Conditions:
Immunodeficiency 28 (IMD28). Also called: IFNGR2 DEFICIENCY. Identifiers: Orphanet 319547, Orphanet 319574, MedGen C4013947, MONDO:0013953, OMIM 614889.

Allele frequency attached by ClinVar (database versions not stated): gnomAD exomes below 0.00001 and 0.00001; ExAC 0.00001.
gnomAD v4.1: 7 of 1,613,890 alleles (0.00043%); highest among the groups gnomAD compares: South Asian, 0.0044%; no homozygotes.

Submission:

Labcorp Genetics (formerly Invitae), Labcorp
Classification: Uncertain significance for Immunodeficiency 28. Last evaluated: 2022-02-02. Review status: criteria provided, single submitter. Criteria: Invitae Variant Classification Sherloc (09022015). Collection method: clinical testing. Allele origin: germline.
Comment: This sequence change replaces aspartic acid, which is acidic and polar, with asparagine, which is neutral and polar, at codon 78 of the IFNGR2 protein (p.Asp78Asn). This variant is present in population databases (rs760048640, gnomAD 0.006%). This variant has not been reported in the literature in individuals affected with IFNGR2-related conditions. ClinVar contains an entry for this variant (Variation ID: 1036762). Algorithms developed to predict the effect of missense changes on protein structure and function (SIFT, PolyPhen-2, Align-GVGD) all suggest that this variant is likely to be tolerated. In summary, the available evidence is currently insufficient to determine the role of this variant in disease. Therefore, it has been classified as a Variant of Uncertain Significance.

NM_005534.4(IFNGR2):c.232G>A (p.Asp78Asn)

Gene: IFNGR2 (interferon gamma receptor 2; plus strand). Cytogenetic location: 21q22.11.
Variant type: single nucleotide variant.
Coding change: c.232G>A on transcript NM_005534.4 (MANE Select); coding-DNA position 232, G replaced by A.
Protein change: p.Asp78Asn; replaces aspartic acid 78 with asparagine.
Molecular consequence: missense variant.
Genome position (GRCh38, 1-based): chr21:33,421,505, G>A. VCF-style: chr21-33421505-G-A. GRCh37 (hg19) VCF-style: chr21-34793812-G-A.
Other names: c.289G>A, p.Asp97Asn (NM_001329128.2); short protein forms D97N, D78N.
Identifiers: ClinVar variation 1036762 (VCV001036762.6), dbSNP rs760048640, ClinGen allele CA10006897.
Genomic context (GRCh38, chr21:33,421,505, plus strand): 5'-AATTCTGTGAATTGAAATCCTTTTTTCCTTCCCAGCACCGACAGTAAATGGTTCACGGCC[G>A]ACATCATGTCCATAGGGGTGAATTGTACACAGATCACAGCAACAGAGTGTGACTTCACTG-3'
Protein context (NP_005525.2, residues 68-88): KYTDSKWFTA[Asp78Asn]IMSIGVNCTQ